The following is an entry in ClinVar:

NM_206933.4(USH2A):c.1499_1500delinsA (p.Val500fs)

Gene: USH2A (usherin; minus strand). Cytogenetic location: 1q41.
Variant type: Indel.
Coding change: c.1499_1500delinsA on transcript NM_206933.4 (MANE Select); coding-DNA positions 1499 to 1500, TT replaced by A.
Protein change: p.Val500fs; shifts the reading frame from valine 500.
Molecular consequence: frameshift variant.
Genome position (GRCh38, 1-based): chr1:216,323,524-216,323,525, AA replaced by T on the plus strand (TT replaced by A on the coding strand, the reverse complement: USH2A is on the minus strand). VCF-style: chr1-216323524-AA-T. GRCh37 (hg19) VCF-style: chr1-216496866-AA-T.
Other names: c.1499_1500delinsA, p.Val500fs (NM_007123.6); short protein forms V500fs.
Identifiers: ClinVar variation 1726722 (VCV001726722.2), dbSNP rs2527433665, ClinGen allele CA2580062214.
Genomic context (GRCh38, chr1:216,323,524, plus strand): 5'-ATAATAATACCTCCCACTAATGGTGATTTCGTCCACTGCATAATATCTGTGTCTGAGGTT[AA>T]CAGCAGTCTCAGTTGTATAGTACTGCCCATGAAAATGAAACCTTATTTGCGTGGCTTTTA-3'

ClinVar aggregate classification (germline): Likely pathogenic (1 of 4 stars; one submission).

Conditions:
Usher syndrome type 2A. Also called: RETINAL DISEASE IN USHER SYNDROME TYPE IIA, MODIFIER OF; USHER SYNDROME, TYPE IIA. Identifiers: Orphanet 231178, Orphanet 886, MedGen C1848634, MONDO:0010169, OMIM 276901.

Submission:

Myriad Genetics, Inc.
Classification: Likely pathogenic for Usher syndrome type 2A. Last evaluated: 2021-12-31. Review status: criteria provided, single submitter. Criteria: Myriad Women's Health Autosomal Recessive and X-Linked Classification Criteria (2021). Collection method: clinical testing. Allele origin: unknown.
Comment: NM_206933.2(USH2A):c.1499_1500delTTinsA(V500Efs*91) is expected to be pathogenic in the context of USH2A-related disorders. This variant is predicted to lead to an abnormal or absent protein product due to the creation of a premature termination codon in USH2A, a gene where loss-of-function variants are known to be pathogenic. Please note: this variant was assessed in the context of healthy population screening.